The following is an entry in ClinVar:

ClinVar aggregate classification (germline): Uncertain significance (1 of 4 stars; one submission).

Conditions:
Developmental and epileptic encephalopathy 94 (DEE94). Also called: CHD2-Related Neurodevelopmental Disorders; Epileptic encephalopathy, childhood-onset. Identifiers: Orphanet 1942, Orphanet 2382, MedGen C3809278, MONDO:0014150, OMIM 615369.

Allele frequency attached by ClinVar (database versions not stated): gnomAD exomes below 0.00001; TOPMed below 0.00001; ExAC 0.00001.
gnomAD v4.1: 5 of 1,613,674 alleles (0.00031%); highest among the groups gnomAD compares: South Asian, 0.0033%; no homozygotes.

Submission:

Labcorp Genetics (formerly Invitae), Labcorp
Classification: Uncertain significance for Developmental and epileptic encephalopathy 94. Last evaluated: 2024-05-06. Review status: criteria provided, single submitter. Criteria: Invitae Variant Classification Sherloc (09022015). Collection method: clinical testing. Allele origin: germline.
Comment: This sequence change replaces alanine, which is neutral and non-polar, with valine, which is neutral and non-polar, at codon 1314 of the CHD2 protein (p.Ala1314Val). This variant is present in population databases (rs780406008, gnomAD 0.007%). This variant has not been reported in the literature in individuals affected with CHD2-related conditions. ClinVar contains an entry for this variant (Variation ID: 2145751). Advanced modeling of protein sequence and biophysical properties (such as structural, functional, and spatial information, amino acid conservation, physicochemical variation, residue mobility, and thermodynamic stability) performed at Invitae indicates that this missense variant is not expected to disrupt CHD2 protein function with a negative predictive value of 95%. In summary, the available evidence is currently insufficient to determine the role of this variant in disease. Therefore, it has been classified as a Variant of Uncertain Significance.

NM_001271.4(CHD2):c.3941C>T (p.Ala1314Val)

Gene: CHD2 (chromodomain helicase DNA binding protein 2; plus strand). Cytogenetic location: 15q26.1.
Variant type: single nucleotide variant.
Coding change: c.3941C>T on transcript NM_001271.4 (MANE Select); coding-DNA position 3941, C replaced by T.
Protein change: p.Ala1314Val; replaces alanine 1314 with valine.
Molecular consequence: missense variant.
Genome position (GRCh38, 1-based): chr15:92,998,554, C>T. VCF-style: chr15-92998554-C-T. GRCh37 (hg19) VCF-style: chr15-93541784-C-T.
Other names: short protein forms A1314V.
Identifiers: ClinVar variation 2145751 (VCV002145751.4), dbSNP rs780406008, ClinGen allele CA7748327.